The following is an entry in ClinVar:

ClinVar aggregate classification (germline): Uncertain significance (1 of 4 stars; one submission).

Submission:

GeneDx
Classification: Uncertain significance. Last evaluated: 2023-06-16. Review status: criteria provided, single submitter. Criteria: GeneDx Variant Classification Process June 2021. Collection method: clinical testing. Allele origin: germline. Affected: yes.
Comment: Not observed at significant frequency in large population cohorts (gnomAD); In silico analysis supports that this missense variant has a deleterious effect on protein structure/function; Has not been previously published as pathogenic or benign to our knowledge

NM_021620.4(PRDM13):c.1538G>T (p.Gly513Val)

Gene: PRDM13 (PR/SET domain 13; plus strand). Cytogenetic location: 6q16.2.
Variant type: single nucleotide variant.
Coding change: c.1538G>T on transcript NM_021620.4 (MANE Select); coding-DNA position 1538, G replaced by T.
Protein change: p.Gly513Val; replaces glycine 513 with valine.
Molecular consequence: missense variant.
Genome position (GRCh38, 1-based): chr6:99,614,173, G>T. VCF-style: chr6-99614173-G-T. GRCh37 (hg19) VCF-style: chr6-100062049-G-T.
Other names: short protein forms G513V.
Identifiers: ClinVar variation 3359751 (VCV003359751.1).